The following is an entry in ClinVar:

ClinVar aggregate classification (germline): Uncertain significance (1 of 4 stars; one submission).

Conditions:
Duchenne muscular dystrophy (DMD). Also called: MUSCULAR DYSTROPHY, PSEUDOHYPERTROPHIC PROGRESSIVE, DUCHENNE TYPE; Duchenne Muscular Dystrophy (DMD). Identifiers: Orphanet 98896, MedGen C0013264, MONDO:0010679, OMIM 310200.

gnomAD v4.1: 1 of 1,204,388 alleles (0.000083%); highest among the groups gnomAD compares: Non-Finnish European, 0.00011%; no homozygotes.

Submission:

Labcorp Genetics (formerly Invitae), Labcorp
Classification: Uncertain significance for Duchenne muscular dystrophy. Last evaluated: 2022-06-04. Review status: criteria provided, single submitter. Criteria: Invitae Variant Classification Sherloc (09022015). Collection method: clinical testing. Allele origin: germline.
Comment: This variant has not been reported in the literature in individuals affected with DMD-related conditions. In summary, the available evidence is currently insufficient to determine the role of this variant in disease. Therefore, it has been classified as a Variant of Uncertain Significance. Variants that disrupt the consensus splice site are a relatively common cause of aberrant splicing (PMID: 17576681, 9536098). Algorithms developed to predict the effect of sequence changes on RNA splicing suggest that this variant is not likely to affect RNA splicing. ClinVar contains an entry for this variant (Variation ID: 1430341). This variant is not present in population databases (gnomAD no frequency). This sequence change falls in intron 42 of the DMD gene. It does not directly change the encoded amino acid sequence of the DMD protein. It affects a nucleotide within the consensus splice site.

Literature cited by the submitters: PubMed 17576681; PubMed 9536098.

NM_004006.3(DMD):c.6117+6A>G

Gene: DMD (dystrophin; minus strand). Cytogenetic location: Xp21.1.
Variant type: single nucleotide variant.
Coding change: c.6117+6A>G on transcript NM_004006.3 (MANE Select); 6 bases into the intron after coding-DNA position 6117, A replaced by G.
Molecular consequence: intron variant.
Genome position (GRCh38, 1-based): chrX:32,310,076, T>C on the plus strand (A>G on the coding strand, the complement: DMD is on the minus strand). VCF-style: chrX-32310076-T-C. GRCh37 (hg19) VCF-style: chrX-32328193-T-C.
Other names: c.6093+6A>G (NM_000109.4); c.2094+6A>G (NM_004011.4); c.2085+6A>G (NM_004012.4); c.6105+6A>G (NM_004009.3); c.5748+6A>G (NM_004010.3).
Identifiers: ClinVar variation 1430341 (VCV001430341.6), dbSNP rs2148594756, ClinGen allele CA2573158662.